The following is an entry in ClinVar:

ClinVar aggregate classification (germline): Likely benign. Review status: criteria provided, multiple submitters, no conflicts (2 of 4 stars). 3 submissions from 3 submitters: Likely benign (3). Last evaluated 2024-08-12.

Allele frequency attached by ClinVar (database versions not stated): gnomAD exomes 0.00012 and 0.00037; ESP Exome Variant Server 0.00138; gnomAD 0.00146 and 0.00149; TOPMed 0.00159; 1000 Genomes Project 30x 0.00172.
gnomAD v4.1: 406 of 1,611,170 alleles (0.025%); highest among the groups gnomAD compares: African/African-American, 0.48%; 1 homozygote.

Submissions (3):

Labcorp Genetics (formerly Invitae), Labcorp
Classification: Likely benign. Last evaluated: 2024-08-12. Review status: criteria provided, single submitter. Criteria: Invitae Variant Classification Sherloc (09022015). Collection method: clinical testing. Allele origin: germline.

CeGaT Center for Human Genetics Tuebingen
Classification: Likely benign. Last evaluated: 2023-06-01. Review status: criteria provided, single submitter. Criteria: CeGaT Center For Human Genetics Tuebingen Variant Classification Criteria Version 2. Collection method: clinical testing. Allele origin: germline. Affected: yes. Observed: 1 variant allele.
Comment: SPECC1L: BP4, BP7

Genetic Services Laboratory, University of Chicago
Classification: Likely benign. Last evaluated: 2017-01-05. Review status: criteria provided, single submitter. Criteria: ACMG Guidelines, 2015. Collection method: clinical testing. Allele origin: germline. Affected: no.

NM_015330.6(SPECC1L):c.2886G>A (p.Ser962=)

Genes: SPECC1L (sperm antigen with calponin homology and coiled-coil domains 1 like; plus strand), SPECC1L-ADORA2A (SPECC1L-ADORA2A readthrough (NMD candidate); plus strand). Cytogenetic location: 22q11.23.
Variant type: single nucleotide variant.
Coding change: c.2886G>A on transcript NM_015330.6 (MANE Select); coding-DNA position 2886, G replaced by A.
Protein change: p.Ser962=; no amino-acid change (serine 962 retained).
Molecular consequence: synonymous variant. On other transcripts: non-coding transcript variant (1).
Genome position (GRCh38, 1-based): chr22:24,365,534, G>A. VCF-style: chr22-24365534-G-A. GRCh37 (hg19) VCF-style: chr22-24761502-G-A.
Other names: c.2886G>A, p.Ser962= (NM_001145468.4, NM_001254732.3); c.84G>A, p.Ser28= (NM_001254733.2).
Identifiers: ClinVar variation 436843 (VCV000436843.38), dbSNP rs139166286, ClinGen allele CA10152489.